The following is an entry in ClinVar:

ClinVar aggregate classification (germline): Benign. Review status: criteria provided, multiple submitters, no conflicts (2 of 4 stars). 3 submissions from 3 submitters: Benign (3). Last evaluated 2023-11-12.

Allele frequency attached by ClinVar (database versions not stated): gnomAD exomes 0.16235; gnomAD 0.25938 and 0.26020; TOPMed 0.27407; 1000 Genomes Project 0.35164; 1000 Genomes Project 30x 0.35634.
gnomAD v4.1: 148,852 of 822,628 alleles (18%); highest among the groups gnomAD compares: African/African-American, 57%; 21,706 homozygotes.

Submissions (3):

Unidad de Genómica Garrahan, Hospital de Pediatría Garrahan
Classification: Benign. Last evaluated: 2023-11-12. Review status: criteria provided, single submitter. Criteria: ACMG Guidelines, 2015. Collection method: clinical testing. Allele origin: germline. Affected: no. Observed: 31 variant alleles.
Comment: This variant is classified as Benign based on local population frequency. This variant was detected in 32% of patients studied by a panel of primary immunodeficiencies. Number of patients: 31. Only high quality variants are reported.

GeneDx
Classification: Benign. Last evaluated: 2018-11-12. Review status: criteria provided, single submitter. Criteria: GeneDx Variant Classification Process June 2021. Collection method: clinical testing. Allele origin: germline. Affected: yes.

Breakthrough Genomics
Classification: Benign. Review status: criteria provided, single submitter. Criteria: ACMG Guidelines, 2015. Collection method: not provided. Allele origin: germline. Inheritance: Autosomal recessive inheritance. Affected: yes.

NM_005026.5(PIK3CD):c.601-159A>G

Gene: PIK3CD (phosphatidylinositol-4,5-bisphosphate 3-kinase catalytic subunit delta; plus strand). Cytogenetic location: 1p36.22.
Variant type: single nucleotide variant.
Coding change: c.601-159A>G on transcript NM_005026.5 (MANE Select); 159 bases into the intron before coding-DNA position 601, A replaced by G.
Molecular consequence: intron variant.
Genome position (GRCh38, 1-based): chr1:9,716,281, A>G. VCF-style: chr1-9716281-A-G. GRCh37 (hg19) VCF-style: chr1-9776339-A-G.
Other names: c.601-159A>G (NM_001350235.1, NM_001350234.2).
Identifiers: ClinVar variation 1278806 (VCV001278806.4), dbSNP rs3934934, ClinGen allele CA10714745.